The following is an entry in ClinVar:

ClinVar aggregate classification (germline): Uncertain significance (1 of 4 stars; one submission).

gnomAD v4.1: 3 of 1,614,056 alleles (0.00019%); highest among the groups gnomAD compares: East Asian, 0.0067%; no homozygotes.

Submission:

Labcorp Genetics (formerly Invitae), Labcorp
Classification: Uncertain significance. Last evaluated: 2023-08-17. Review status: criteria provided, single submitter. Criteria: Invitae Variant Classification Sherloc (09022015). Collection method: clinical testing. Allele origin: germline.
Comment: This variant is present in population databases (no rsID available, gnomAD 0.006%). This sequence change replaces tyrosine, which is neutral and polar, with phenylalanine, which is neutral and non-polar, at codon 2715 of the DNAH9 protein (p.Tyr2715Phe). In summary, the available evidence is currently insufficient to determine the role of this variant in disease. Therefore, it has been classified as a Variant of Uncertain Significance. An algorithm developed to predict the effect of missense changes on protein structure and function (PolyPhen-2) suggests that this variant is likely to be tolerated. ClinVar contains an entry for this variant (Variation ID: 1717078). This variant has not been reported in the literature in individuals affected with DNAH9-related conditions.

NM_001372.4(DNAH9):c.8144A>T (p.Tyr2715Phe)

Gene: DNAH9 (dynein axonemal heavy chain 9; plus strand). Cytogenetic location: 17p12.
Variant type: single nucleotide variant.
Coding change: c.8144A>T on transcript NM_001372.4 (MANE Select); coding-DNA position 8144, A replaced by T.
Protein change: p.Tyr2715Phe; replaces tyrosine 2715 with phenylalanine.
Molecular consequence: missense variant.
Genome position (GRCh38, 1-based): chr17:11,793,585, A>T. VCF-style: chr17-11793585-A-T. GRCh37 (hg19) VCF-style: chr17-11696902-A-T.
Other names: short protein forms Y2715F.
Identifiers: ClinVar variation 1717078 (VCV001717078.5), dbSNP rs1279008543, ClinGen allele CA398194771.